The following is an entry in ClinVar:

NM_000237.3(LPL):c.88+2dup

Gene: LPL (lipoprotein lipase; plus strand). Cytogenetic location: 8p21.3.
Variant type: Duplication.
Coding change: c.88+2dup on transcript NM_000237.3 (MANE Select); the canonical splice donor site of the intron after coding-DNA position 88, one base duplicated (T; older notation c.88+2dupT).
Molecular consequence: splice donor variant.
Genome position (GRCh38, 1-based): chr8:19,939,530, T duplicated. VCF-style (leftmost placement, unchanged base first): chr8-19939529-G-GT. GRCh37 (hg19) VCF-style: chr8-19797040-G-GT.
Identifiers: ClinVar variation 2735123 (VCV002735123.3), dbSNP rs1563561741, ClinGen allele CA580154322.

ClinVar aggregate classification (germline): Pathogenic (1 of 4 stars; one submission).

Allele frequency attached by ClinVar (database versions not stated): gnomAD exomes below 0.00001.

Submission:

Labcorp Genetics (formerly Invitae), Labcorp
Classification: Pathogenic. Last evaluated: 2023-11-01. Review status: criteria provided, single submitter. Criteria: Invitae Variant Classification Sherloc (09022015). Collection method: clinical testing. Allele origin: germline.
Comment: This sequence change falls in intron 1 of the LPL gene. It does not directly change the encoded amino acid sequence of the LPL protein. It affects a nucleotide within the consensus splice site. This variant is present in population databases (no rsID available, gnomAD 0.008%). This variant has been observed in individuals with lipoprotein lipase deficiency (PMID: 20179640, 32472350). This variant is also known as c.88+2insT, IVS1+2insT. Variants that disrupt the consensus splice site are a relatively common cause of aberrant splicing (PMID: 17576681, 9536098). Algorithms developed to predict the effect of sequence changes on RNA splicing suggest that this variant may disrupt the consensus splice site. For these reasons, this variant has been classified as Pathogenic.

Literature cited by the submitters: PubMed 20179640; PubMed 32472350; PubMed 17576681; PubMed 9536098.